The following is an entry in ClinVar:

NM_000091.5(COL4A3):c.405A>G (p.Pro135=)

Genes: COL4A3 (collagen type IV alpha 3 chain; plus strand), MFF-DT (MFF divergent transcript; minus strand). Cytogenetic location: 2q36.3.
Variant type: single nucleotide variant.
Coding change: c.405A>G on transcript NM_000091.5 (MANE Select); coding-DNA position 405, A replaced by G.
Protein change: p.Pro135=; no amino-acid change (proline 135 retained).
Molecular consequence: synonymous variant.
Genome position (GRCh38, 1-based): chr2:227,246,702, A>G. VCF-style: chr2-227246702-A-G. GRCh37 (hg19) VCF-style: chr2-228111418-A-G.
Identifiers: ClinVar variation 666678 (VCV000666678.13), dbSNP rs1574675832, ClinGen allele CA431508164.

ClinVar aggregate classification (germline): Likely benign. Review status: criteria provided, multiple submitters, no conflicts (2 of 4 stars). 3 submissions from 3 submitters: Likely benign (3). Last evaluated 2026-04-20.

Conditions:
Inborn genetic diseases. Identifiers: MedGen C0950123, MeSH D030342.

Allele frequency attached by ClinVar (database versions not stated): gnomAD exomes below 0.00001; TOPMed below 0.00001.
gnomAD v4.1: 4 of 1,612,608 alleles (0.00025%); highest among the groups gnomAD compares: African/African-American, 0.004%; no homozygotes.

Submissions (3):

Ambry Genetics
Classification: Likely benign for Inborn genetic diseases. Last evaluated: 2026-04-20. Review status: criteria provided, single submitter. Criteria: Ambry Variant Classification Scheme 2023. Collection method: clinical testing. Allele origin: germline.

Labcorp Genetics (formerly Invitae), Labcorp
Classification: Likely benign. Last evaluated: 2024-01-31. Review status: criteria provided, single submitter. Criteria: Invitae Variant Classification Sherloc (09022015). Collection method: clinical testing. Allele origin: germline.

Laboratory for Molecular Medicine, Mass General Brigham Personalized Medicine
Classification: Likely benign. Last evaluated: 2018-12-27. Review status: criteria provided, single submitter. Criteria: LMM Criteria. Collection method: clinical testing. Allele origin: germline. Observed: 1 variant allele.
Comment: The p.Pro135Pro variant in COL4A3 is classified as likely benign because it does not alter an amino acid residue, it is not located within the splice consensus sequence, and splice prediction algorithms do not predict a newly created splice site. ACMG/AMP Criteria applied: BP4, BP7.